The following is an entry in ClinVar:

ClinVar aggregate classification (germline): Uncertain significance. Review status: criteria provided, multiple submitters, no conflicts (2 of 4 stars). 2 submissions from 2 submitters: Uncertain significance (2). Last evaluated 2025-06-09.

Conditions:
Inborn genetic diseases. Identifiers: MedGen C0950123, MeSH D030342.

Allele frequency attached by ClinVar (database versions not stated): gnomAD exomes below 0.00001; TOPMed below 0.00001; ExAC 0.00001.
gnomAD v4.1: 1 of 1,614,152 alleles (0.000062%); no homozygotes.

Submissions (2):

Ambry Genetics
Classification: Uncertain significance for Inborn genetic diseases. Last evaluated: 2025-06-09. Review status: criteria provided, single submitter. Criteria: Ambry Variant Classification Scheme 2023. Collection method: clinical testing. Allele origin: germline.

Labcorp Genetics (formerly Invitae), Labcorp
Classification: Uncertain significance. Last evaluated: 2023-05-27. Review status: criteria provided, single submitter. Criteria: Invitae Variant Classification Sherloc (09022015). Collection method: clinical testing. Allele origin: germline.
Comment: In summary, the available evidence is currently insufficient to determine the role of this variant in disease. Therefore, it has been classified as a Variant of Uncertain Significance. An algorithm developed to predict the effect of missense changes on protein structure and function (PolyPhen-2) suggests that this variant is likely to be disruptive. This variant has not been reported in the literature in individuals affected with KIDINS220-related conditions. This variant is present in population databases (rs773095081, gnomAD 0.01%). This sequence change replaces arginine, which is basic and polar, with tryptophan, which is neutral and slightly polar, at codon 1642 of the KIDINS220 protein (p.Arg1642Trp).

NM_020738.4(KIDINS220):c.4924C>T (p.Arg1642Trp)

Gene: KIDINS220 (kinase D interacting substrate 220; minus strand). Cytogenetic location: 2p25.1.
Variant type: single nucleotide variant.
Coding change: c.4924C>T on transcript NM_020738.4 (MANE Select); coding-DNA position 4924, C replaced by T.
Protein change: p.Arg1642Trp; replaces arginine 1642 with tryptophan.
Molecular consequence: missense variant. On other transcripts: intron variant (6).
Genome position (GRCh38, 1-based): chr2:8,731,112, G>A on the plus strand (C>T on the coding strand, the complement: KIDINS220 is on the minus strand). VCF-style: chr2-8731112-G-A. GRCh37 (hg19) VCF-style: chr2-8871242-G-A.
Other names: c.4924C>T (NM_020738.2); c.4627C>T, p.Arg1543Trp (NM_001348736.2); c.3882+2332C>T (NM_001348741.2, NM_001348742.2, NM_001348743.2); c.3996+2332C>T (NM_001348738.2); c.3885+2332C>T (NM_001348739.2, NM_001348740.2); c.4756C>T, p.Arg1586Trp (NM_001348734.2); c.4753C>T, p.Arg1585Trp (NM_001348735.2); c.4927C>T, p.Arg1643Trp (NM_001348729.2); and 2 more; short protein forms R1585W, R1543W, R1643W, R1642W, R1586W, R1623W, R1624W.
Identifiers: ClinVar variation 2956551 (VCV002956551.4), dbSNP rs773095081, ClinGen allele CA1519283.
Genomic context (GRCh38, chr2:8,731,112, plus strand): 5'-TGCTGGCTATCAAGCTGCATTCGGAAGGGCTTTTCTTGTCTTCTGAACAAATGGACATCC[G>A]AGCTATAATTGGATCTTGCAGGCCACTCAGGCTATGTGGGATTCCCCGCTTTCCGCTGTG-3'
Protein context (NP_065789.1, residues 1632-1652): LSGLQDPIIA[Arg1642Trp]MSICSEDKKS